The following is an entry in ClinVar:

NM_001999.4(FBN2):c.3847G>T (p.Asp1283Tyr)

Gene: FBN2 (fibrillin 2; minus strand). Cytogenetic location: 5q23.3.
Variant type: single nucleotide variant.
Coding change: c.3847G>T on transcript NM_001999.4 (MANE Select); coding-DNA position 3847, G replaced by T.
Protein change: p.Asp1283Tyr; replaces aspartic acid 1283 with tyrosine.
Molecular consequence: missense variant.
Genome position (GRCh38, 1-based): chr5:128,335,455, C>A on the plus strand (G>T on the coding strand, the complement: FBN2 is on the minus strand). VCF-style: chr5-128335455-C-A. GRCh37 (hg19) VCF-style: chr5-127671147-C-A.
Other names: short protein forms D1283Y.
Identifiers: ClinVar variation 4635387 (VCV004635387.1).

ClinVar aggregate classification (germline): Uncertain significance (1 of 4 stars; one submission).

Conditions:
Familial thoracic aortic aneurysm and aortic dissection (TAAD). Also called: Thoracic aortic aneurysms and dissections. Identifiers: Orphanet 91387, MedGen C4707243, MONDO:0019625.

Submission:

Ambry Genetics
Classification: Uncertain significance for Familial thoracic aortic aneurysm and aortic dissection. Last evaluated: 2025-10-23. Review status: criteria provided, single submitter. Criteria: Ambry Variant Classification Scheme 2023. Collection method: clinical testing. Allele origin: germline.
Comment: The c.3847G>T (p.D1283Y) alteration is located in exon 29 (coding exon 29) of the FBN2 gene. This alteration results from a G to T substitution at nucleotide position 3847, causing the aspartic acid (D) at amino acid position 1283 to be replaced by a tyrosine (Y). However, this change occurs in the last base pair of exon 29 (coding exon 29), which makes it likely to have some effect on normal mRNA splicing. However, loss-of-function of FBN2 has not been established as a mechanism of disease. This variant was not reported in population-based cohorts in the Genome Aggregation Database (gnomAD). Both the nucleotide position and amino acid position are highly conserved in available vertebrate species. This amino acid alteration is predicted to be deleterious by in silico analysis. In silico splice site analysis predicts that this nucleotide alteration will weaken the native splice donor site and may result in the creation or strengthening of a novel splice donor site. Based on insufficient or conflicting evidence, the clinical significance of this alteration remains unclear.